The following is an entry in ClinVar:

NM_006445.4(PRPF8):c.1419C>A (p.Phe473Leu)

Gene: PRPF8 (pre-mRNA processing factor 8; minus strand). Cytogenetic location: 17p13.3.
Variant type: single nucleotide variant.
Coding change: c.1419C>A on transcript NM_006445.4 (MANE Select); coding-DNA position 1419, C replaced by A.
Protein change: p.Phe473Leu; replaces phenylalanine 473 with leucine.
Molecular consequence: missense variant.
Genome position (GRCh38, 1-based): chr17:1,679,197, G>T on the plus strand (C>A on the coding strand, the complement: PRPF8 is on the minus strand). VCF-style: chr17-1679197-G-T. GRCh37 (hg19) VCF-style: chr17-1582491-G-T.
Other names: short protein forms F473L.
Identifiers: ClinVar variation 4806351 (VCV004806351.1).
Genomic context (GRCh38, chr17:1,679,197, plus strand): 5'-CCCAACCTCCACCCAGTCCAGCTTTGTGGACTGAAAGAATTTGGTGGCTTTGAAGGAGCG[G>T]AACAAATACCTGAGGTGGGAACATGGAGAGTAAGAGTCAGCCTACTGATATCTCTGGAAC-3'
Protein context (NP_006436.3, residues 463-483): PPKAQKKRYL[Phe473Leu]RSFKATKFFQ

ClinVar aggregate classification (germline): Uncertain significance (1 of 4 stars; one submission).

gnomAD v4.1: 2 of 1,614,192 alleles (0.00012%); highest among the groups gnomAD compares: Non-Finnish European, 0.00017%; no homozygotes.

Submission:

Labcorp Genetics (formerly Invitae), Labcorp
Classification: Uncertain significance. Last evaluated: 2025-05-04. Review status: criteria provided, single submitter. Criteria: Invitae Variant Classification Sherloc (09022015). Collection method: clinical testing. Allele origin: germline.
Comment: This sequence change replaces phenylalanine, which is neutral and non-polar, with leucine, which is neutral and non-polar, at codon 473 of the PRPF8 protein (p.Phe473Leu). This variant is not present in population databases (gnomAD no frequency). This variant has not been reported in the literature in individuals affected with PRPF8-related conditions. Invitae Evidence Modeling of protein sequence and biophysical properties (such as structural, functional, and spatial information, amino acid conservation, physicochemical variation, residue mobility, and thermodynamic stability) indicates that this missense variant is not expected to disrupt PRPF8 protein function with a negative predictive value of 80%. In summary, the available evidence is currently insufficient to determine the role of this variant in disease. Therefore, it has been classified as a Variant of Uncertain Significance.